The following is an entry in ClinVar:

NM_000795.4(DRD2):c.932C>G (p.Ser311Cys)

Gene: DRD2 (dopamine receptor D2; minus strand). Cytogenetic location: 11q23.2.
Variant type: single nucleotide variant.
Coding change: c.932C>G on transcript NM_000795.4 (MANE Select); coding-DNA position 932, C replaced by G.
Protein change: p.Ser311Cys; replaces serine 311 with cysteine.
Molecular consequence: missense variant.
Genome position (GRCh38, 1-based): chr11:113,412,762, G>C on the plus strand (C>G on the coding strand, the complement: DRD2 is on the minus strand). VCF-style: chr11-113412762-G-C. GRCh37 (hg19) VCF-style: chr11-113283484-G-C.
Other names: c.845C>G, p.Ser282Cys (NM_016574.4); short protein forms S311C, S282C.
Identifiers: ClinVar variation 256813 (VCV000256813.18), dbSNP rs1801028, ClinGen allele CA6281226.
Genomic context (GRCh38, chr11:113,412,762, plus strand): 5'-GCATGCCCATTCTTCTCTGGTTTGGCGGGGCTGTCGGGAGTGCTGTGGAGACCATGGTGG[G>C]ACGGGTCGGGGAGAGTCAGCTGGTGGTGGCTGGGTGGGATGGGGCTGTACCGGGTCCTCT-3'
Protein context (NP_000786.1, residues 301-321): SHHQLTLPDP[Ser311Cys]HHGLHSTPDS

ClinVar aggregate classification (germline): Benign. Review status: criteria provided, multiple submitters, no conflicts (2 of 4 stars). 5 submissions from 5 submitters: Benign (5). Last evaluated 2026-01-07.

Conditions:
Dystonic disorder. Also called: Dystonia. Identifiers: MedGen C0013421, MONDO:0003441, HP:0001332.

Allele frequency attached by ClinVar (database versions not stated): ESP Exome Variant Server 0.01693; gnomAD 0.01696 and 0.01901; TOPMed 0.01739; gnomAD exomes 0.02345 and 0.02656; ExAC 0.02641; 1000 Genomes Project 30x 0.02983; 1000 Genomes Project 0.03175.

Submissions (5):

Labcorp Genetics (formerly Invitae), Labcorp
Classification: Benign for Dystonic disorder. Last evaluated: 2026-01-07. Review status: criteria provided, single submitter. Criteria: Invitae Variant Classification Sherloc (09022015). Collection method: clinical testing. Allele origin: germline.

GeneDx
Classification: Benign. Last evaluated: 2021-06-10. Review status: criteria provided, single submitter. Criteria: GeneDx Variant Classification Process June 2021. Collection method: clinical testing. Allele origin: germline. Affected: yes.
Comment: This variant is associated with the following publications: (PMID: 21206399, 11289060, 7907680, 19770837, 18583979, 8824240, 20716857, 25711927, 25504812)

Eurofins Ntd Llc (ga)
Classification: Benign. Last evaluated: 2016-02-29. Review status: criteria provided, single submitter. Criteria: EGL Classification Definitions 2015. Collection method: clinical testing. Allele origin: germline. Observed: 1 variant allele, 1 heterozygote.

Breakthrough Genomics
Classification: Benign. Review status: criteria provided, single submitter. Criteria: ACMG Guidelines, 2015. Collection method: not provided. Allele origin: germline. Inheritance: Unknown mechanism. Affected: yes.

PreventionGenetics, part of Exact Sciences
Classification: Benign. Review status: criteria provided, single submitter. Criteria: ACMG Guidelines, 2015. Collection method: clinical testing. Allele origin: germline.

Literature cited by the submitters: PubMed 25711927 (cited by Eurofins Ntd Llc (ga)).